The following is an entry in ClinVar:

ClinVar aggregate classification (germline): Benign/Likely benign. Review status: criteria provided, multiple submitters, no conflicts (2 of 4 stars). 6 submissions from 6 submitters: Benign (3); Likely benign (2). 1 of the submissions does not count toward it. Last evaluated 2026-01-26.

Conditions:
ITGA7-related disorder. Also called: ITGA7-related condition.
Congenital muscular dystrophy due to integrin alpha-7 deficiency. Also called: MYOPATHY, CONGENITAL, DUE TO INTEGRIN ALPHA-7 DEFICIENCY; Congenital muscular dystrophy with integrin alpha-7 deficiency; Muscular dystrophy, congenital, due to ITGA7 deficiency. Identifiers: Orphanet 34520, MedGen C2750786, MONDO:0013177, OMIM 613204.

Allele frequency attached by ClinVar (database versions not stated): 1000 Genomes Project 0.00180; TOPMed 0.00210; 1000 Genomes Project 30x 0.00219; ESP Exome Variant Server 0.00238.
gnomAD v4.1: 667 of 1,613,900 alleles (0.041%); highest among the groups gnomAD compares: African/African-American, 0.73%; 6 homozygotes.

Submissions (8):

Labcorp Genetics (formerly Invitae), Labcorp
Classification: Benign for Congenital muscular dystrophy due to integrin alpha-7 deficiency. Last evaluated: 2026-01-26. Review status: criteria provided, single submitter. Criteria: Invitae Variant Classification Sherloc (09022015). Collection method: clinical testing. Allele origin: germline.

CeGaT Center for Human Genetics Tuebingen
Classification: Likely benign. Last evaluated: 2023-01-01. Review status: criteria provided, single submitter. Criteria: CeGaT Center For Human Genetics Tuebingen Variant Classification Criteria Version 2. Collection method: clinical testing. Allele origin: germline. Affected: yes. Observed: 1 variant allele.
Comment: ITGA7: BP4, BS2

GeneDx
Classification: Likely benign. Last evaluated: 2020-07-14. Review status: criteria provided, single submitter. Criteria: GeneDx Variant Classification Process June 2021. Collection method: clinical testing. Allele origin: germline. Affected: yes.

Mayo Clinic Laboratories, Mayo Clinic
Classification: Benign. Last evaluated: 2019-07-25. Review status: criteria provided, single submitter. Criteria: ACMG Guidelines, 2015. Collection method: clinical testing. Allele origin: germline. Observed: 2 variant alleles.

Eurofins Ntd Llc (ga)
Classification: Benign. Last evaluated: 2014-05-14. Review status: criteria provided, single submitter. Criteria: EGL Classification Definitions 2015. Collection method: clinical testing. Allele origin: germline. Observed: 1 variant allele, 1 heterozygote.

PreventionGenetics, part of Exact Sciences
Classification: Benign for ITGA7-related condition. Last evaluated: 2020-02-05. Review status: no assertion criteria provided. Collection method: clinical testing. Allele origin: germline. Not counted in ClinVar's aggregate classification.
Comment: This variant is classified as benign based on ACMG/AMP sequence variant interpretation guidelines (Richards et al. 2015 PMID: 25741868, with internal and published modifications).

Dr. Peter K. Rogan Lab, Western University
No classification provided (evidence only). Condition: Sarcoma. Review status: no classification provided. Collection method: in vitro. Allele origin: not applicable. Functional consequence: retained intron. Not counted in ClinVar's aggregate classification.

Dr. Peter K. Rogan Lab, Western University
No classification provided (evidence only). Condition: Sarcoma. Review status: no classification provided. Collection method: in vitro. Allele origin: not applicable. Functional consequence: retained intron. Not counted in ClinVar's aggregate classification.

NM_002206.3(ITGA7):c.671-5C>A

Gene: ITGA7 (integrin subunit alpha 7; minus strand). Cytogenetic location: 12q13.2.
Variant type: single nucleotide variant.
Coding change: c.671-5C>A on transcript NM_002206.3 (MANE Select); 5 bases into the intron before coding-DNA position 671, C replaced by A.
Molecular consequence: intron variant.
Genome position (GRCh38, 1-based): chr12:55,699,994, G>T on the plus strand (C>A on the coding strand, the complement: ITGA7 is on the minus strand). VCF-style: chr12-55699994-G-T. GRCh37 (hg19) VCF-style: chr12-56093778-G-T.
Other names: p.?; c.511+268C>A (NM_001144997.2); c.463+268C>A (NM_001367993.1); c.332-5C>A (NM_001414035.1); c.488-5C>A (NM_001414033.1); c.-503+905C>A (NM_001367994.1); c.670+905C>A (NM_001414032.1); c.671-5C>A (NM_001414031.1, NM_001374465.1, NM_001414034.1); and 2 more.
Identifiers: ClinVar variation 197739 (VCV000197739.43), dbSNP rs180841797, ClinGen allele CA203055.
Genomic context (GRCh38, chr12:55,699,994, plus strand): 5'-TTTATACACCAGCTGGTCGGGGTCTGAGCTATCAATGTTGGTCACAAAAAGCAACCCTGT[G>T]GGGGGTGGGGTGAGACACCAGGGAGGGGACATCCAGAGTAGGGGCCACAGAGTAGGGAGA-3'